The following is an entry in ClinVar:

NM_001042492.3(NF1):c.4290G>A (p.Lys1430=)

Gene: NF1 (neurofibromin 1; plus strand). Cytogenetic location: 17q11.2.
Variant type: single nucleotide variant.
Coding change: c.4290G>A on transcript NM_001042492.3 (MANE Select); coding-DNA position 4290, G replaced by A.
Protein change: p.Lys1430=; no amino-acid change (lysine 1430 retained).
Molecular consequence: synonymous variant.
Genome position (GRCh38, 1-based): chr17:31,258,460, G>A. VCF-style: chr17-31258460-G-A. GRCh37 (hg19) VCF-style: chr17-29585478-G-A.
Other names: c.4227G>A, p.Lys1409= (NM_000267.4).
Identifiers: ClinVar variation 457690 (VCV000457690.17), dbSNP rs373086572, ClinGen allele CA8486372.
Genomic context (GRCh38, chr17:31,258,460, plus strand): 5'-CCTCAGATTTATCAATCCTGCCATTGTCTCACCGTATGAAGCAGGGATTTTAGATAAAAA[G>A]CCACCACCTAGAATCGAAAGGGGCTTGAAGTTAATGTCAAAGGTGAATTATTTTGATAAT-3'
Protein context (NP_001035957.1, residues 1420-1440): SPYEAGILDK[Lys1430=]PPPRIERGLK

ClinVar aggregate classification (germline): Benign/Likely benign. Review status: criteria provided, multiple submitters, no conflicts (2 of 4 stars). 5 submissions from 5 submitters: Benign (1); Likely benign (4). Last evaluated 2026-05-19.

Conditions:
Hereditary cancer-predisposing syndrome. Also called: Hereditary neoplastic syndrome; Neoplastic Syndromes, Hereditary; Hereditary Cancer Syndrome; Tumor predisposition. Identifiers: Orphanet 140162, MedGen C0027672, MeSH D009386, MONDO:0015356.
Neurofibromatosis, type 1 (NF1). Also called: Peripheral type neurofibromatosis; Neurofibromatosis, type I; VON RECKLINGHAUSEN DISEASE; NEUROFIBROMATOSIS, TYPE I, SOMATIC. Identifiers: Orphanet 636, MedGen C0027831, MONDO:0018975, OMIM 162200. Disease mechanism: loss of function.

Allele frequency attached by ClinVar (database versions not stated): ExAC 0.00001; gnomAD 0.00001; TOPMed 0.00001; ESP Exome Variant Server 0.00008.
gnomAD v4.1: 3 of 1,613,730 alleles (0.00019%); highest among the groups gnomAD compares: Non-Finnish European, 0.00025%; no homozygotes.

Submissions (5):

Myriad Genetics, Inc.
Classification: Benign for Neurofibromatosis, type 1. Last evaluated: 2026-05-19. Review status: criteria provided, single submitter. Criteria: Myriad Autosomal Dominant, Autosomal Recessive and X-Linked Classification Criteria (2023). Collection method: clinical testing. Allele origin: unknown.
Comment: This variant is considered benign. This variant is a silent/synonymous amino acid change and it is not expected to impact splicing.

Labcorp Genetics (formerly Invitae), Labcorp
Classification: Likely benign for Neurofibromatosis, type 1. Last evaluated: 2025-08-17. Review status: criteria provided, single submitter. Criteria: Invitae Variant Classification Sherloc (09022015). Collection method: clinical testing. Allele origin: germline.

Genome-Nilou Lab
Classification: Likely benign for Neurofibromatosis, type 1. Last evaluated: 2022-03-15. Review status: criteria provided, single submitter. Criteria: ACMG Guidelines, 2015. Collection method: clinical testing. Allele origin: germline. Affected: no.

GeneDx
Classification: Likely benign. Last evaluated: 2020-02-26. Review status: criteria provided, single submitter. Criteria: GeneDx Variant Classification Process June 2021. Collection method: clinical testing. Allele origin: germline. Affected: yes.

Ambry Genetics
Classification: Likely benign for Hereditary cancer-predisposing syndrome. Last evaluated: 2015-12-15. Review status: criteria provided, single submitter. Criteria: Ambry Autosomal Dominant and X-Linked criteria (10/2015). Collection method: clinical testing. Allele origin: germline. Observed: 1 variant allele.